The following is an entry in ClinVar:

ClinVar aggregate classification (germline): Pathogenic (1 of 4 stars; one submission).

Submission:

CeGaT Center for Human Genetics Tuebingen
Classification: Pathogenic. Last evaluated: 2024-08-01. Review status: criteria provided, single submitter. Criteria: CeGaT Center For Human Genetics Tuebingen Variant Classification Criteria Version 2. Collection method: clinical testing. Allele origin: germline. Affected: yes. Observed: 2 variant alleles.
Comment: NOTCH1: PVS1, PM2

NM_017617.5(NOTCH1):c.2407C>T (p.Gln803Ter)

Gene: NOTCH1 (notch receptor 1; minus strand). Cytogenetic location: 9q34.3.
Variant type: single nucleotide variant.
Coding change: c.2407C>T on transcript NM_017617.5 (MANE Select); coding-DNA position 2407, C replaced by T.
Protein change: p.Gln803Ter; replaces glutamine 803 with a stop codon.
Molecular consequence: nonsense.
Genome position (GRCh38, 1-based): chr9:136,513,081, G>A on the plus strand (C>T on the coding strand, the complement: NOTCH1 is on the minus strand). VCF-style: chr9-136513081-G-A. GRCh37 (hg19) VCF-style: chr9-139407533-G-A.
Other names: short protein forms Q803*.
Identifiers: ClinVar variation 3027324 (VCV003027324.22), dbSNP rs2540452202, ClinGen allele CA375556536.